The following is an entry in ClinVar:

NM_000179.3(MSH6):c.3464_3477dup (p.Val1160fs)

Gene: MSH6 (mutS homolog 6; plus strand). Cytogenetic location: 2p16.3.
Variant type: Duplication.
Coding change: c.3464_3477dup on transcript NM_000179.3 (MANE Select); coding-DNA positions 3464 to 3477, 14 bases duplicated (AGATGGGTTGTTAC).
Protein change: p.Val1160fs; shifts the reading frame from valine 1160.
Molecular consequence: frameshift variant.
Genome position (GRCh38, 1-based): chr2:47,804,935-47,804,948, AGATGGGTTGTTAC duplicated; duplicating any 14 consecutive bases within chr2:47,804,934-47,804,948 gives the same sequence; the c. name uses the placement nearest the transcript's 3' end. VCF-style (leftmost placement, unchanged base first): chr2-47804933-C-CCAGATGGGTTGTTA. GRCh37 (hg19) VCF-style: chr2-48032072-C-CCAGATGGGTTGTTA.
Other names: c.3074_3087dup, p.Val1030fs (NM_001281492.2); c.2558_2571dup, p.Val858fs (NM_001281493.2, NM_001281494.2); c.3464_3477dupAGATGGGTTGTTAC (NM_000179.2); short protein forms V1030fs, V1160fs, V858fs.
Identifiers: ClinVar variation 1685958 (VCV001685958.7), dbSNP rs2104504931, ClinGen allele CA2573134739.

ClinVar aggregate classification (germline): Pathogenic. Review status: criteria provided, multiple submitters, no conflicts (2 of 4 stars). 3 submissions from 3 submitters: Pathogenic (3). Last evaluated 2024-04-03.

Conditions:
Hereditary cancer-predisposing syndrome. Also called: Hereditary Cancer Syndrome; Hereditary neoplastic syndrome; Neoplastic Syndromes, Hereditary; Tumor predisposition. Identifiers: Orphanet 140162, MedGen C0027672, MeSH D009386, MONDO:0015356.
Hereditary nonpolyposis colorectal neoplasms. Identifiers: MedGen C0009405, MeSH D003123.
Endometrial carcinoma. Also called: Endometrial carcinoma, somatic. Identifiers: MedGen C0476089, MONDO:0002447, OMIM 608089, HP:0012114.

Submissions (3):

Ambry Genetics
Classification: Pathogenic for Hereditary cancer-predisposing syndrome. Last evaluated: 2024-04-03. Review status: criteria provided, single submitter. Criteria: Ambry Variant Classification Scheme 2023. Collection method: clinical testing. Allele origin: germline.
Comment: The c.3464_3477dup14 variant, located in coding exon 6 of the MSH6 gene, results from a duplication of 14 nucleotides at nucleotide positions 3464 to 3477, causing a translational frameshift with a predicted alternate stop codon (p.V1160Rfs*29). This variant is considered to be rare based on population cohorts in the Genome Aggregation Database (gnomAD). This alteration is expected to result in loss of function by premature protein truncation or nonsense-mediated mRNA decay. As such, this variant is interpreted as a disease-causing mutation.

Mendelics
Classification: Pathogenic for Endometrial carcinoma. Last evaluated: 2022-05-04. Review status: criteria provided, single submitter. Criteria: Mendelics Assertion Criteria 2019. Collection method: clinical testing. Allele origin: germline.

Labcorp Genetics (formerly Invitae), Labcorp
Classification: Pathogenic for Hereditary nonpolyposis colorectal neoplasms. Last evaluated: 2022-01-22. Review status: criteria provided, single submitter. Criteria: Invitae Variant Classification Sherloc (09022015). Collection method: clinical testing. Allele origin: germline.
Comment: For these reasons, this variant has been classified as Pathogenic. Algorithms developed to predict the effect of sequence changes on RNA splicing suggest that this variant may create or strengthen a splice site. This variant has not been reported in the literature in individuals affected with MSH6-related conditions. This variant is not present in population databases (gnomAD no frequency). This sequence change creates a premature translational stop signal (p.Val1160Argfs*29) in the MSH6 gene. It is expected to result in an absent or disrupted protein product. Loss-of-function variants in MSH6 are known to be pathogenic (PMID: 18269114, 24362816).

Literature cited by the submitters: PubMed 18269114 (cited by Labcorp Genetics (formerly Invitae), Labcorp); PubMed 24362816 (cited by Labcorp Genetics (formerly Invitae), Labcorp).